The following is an entry in ClinVar:

NM_173630.4(RTTN):c.3236_3237delinsGG (p.Ile1079Arg)

Gene: RTTN (rotatin; minus strand). Cytogenetic location: 18q22.2.
Variant type: Indel.
Coding change: c.3236_3237delinsGG on transcript NM_173630.4 (MANE Select); coding-DNA positions 3236 to 3237, TT replaced by GG.
Protein change: p.Ile1079Arg; replaces isoleucine 1079 with arginine.
Molecular consequence: missense variant.
Genome position (GRCh38, 1-based): chr18:70,127,648-70,127,649, AA replaced by CC on the plus strand (TT replaced by GG on the coding strand, the reverse complement: RTTN is on the minus strand). VCF-style: chr18-70127648-AA-CC. GRCh37 (hg19) VCF-style: chr18-67794884-AA-CC.
Other names: c.500_501delinsGG, p.Ile167Arg (NM_001318520.2); short protein forms I1079R, I167R.
Identifiers: ClinVar variation 2175259 (VCV002175259.4), dbSNP rs2512505303, ClinGen allele CA2580095997.

ClinVar aggregate classification (germline): Uncertain significance (1 of 4 stars; one submission).

Submission:

Labcorp Genetics (formerly Invitae), Labcorp
Classification: Uncertain significance. Last evaluated: 2024-04-16. Review status: criteria provided, single submitter. Criteria: Invitae Variant Classification Sherloc (09022015). Collection method: clinical testing. Allele origin: germline.
Comment: This sequence change replaces isoleucine, which is neutral and non-polar, with arginine, which is basic and polar, at codon 1079 of the RTTN protein (p.Ile1079Arg). Information on the frequency of this variant in the gnomAD database is not available, as this variant may be reported differently in the database. This variant has not been reported in the literature in individuals affected with RTTN-related conditions. ClinVar contains an entry for this variant (Variation ID: 2175259). An algorithm developed to predict the effect of missense changes on protein structure and function (PolyPhen-2) suggests that this variant is likely to be disruptive. In summary, the available evidence is currently insufficient to determine the role of this variant in disease. Therefore, it has been classified as a Variant of Uncertain Significance.